The following is an entry in ClinVar:

NM_001009944.3(PKD1):c.3296-4_3304del

Gene: PKD1 (polycystin 1, transient receptor potential channel interacting; minus strand). Cytogenetic location: 16p13.3.
Variant type: Deletion.
Coding change: c.3296-4_3304del on transcript NM_001009944.3 (MANE Select); 4 bases into the intron before coding-DNA position 3296 through coding-DNA position 3304, 13 bases deleted (ACAGGTGAGTACC).
Molecular consequence: splice acceptor variant.
Genome position (GRCh38, 1-based): chr16:2,111,863-2,111,875, GGTACTCACCTGT deleted on the plus strand (ACAGGTGAGTACC on the coding strand, the reverse complement: PKD1 is on the minus strand); deleting any 13 consecutive bases within chr16:2,111,863-2,111,877 gives the same sequence; the c. name uses the placement nearest the transcript's 3' end. VCF-style (leftmost placement, unchanged base first): chr16-2111862-AGGTACTCACCTGT-A. GRCh37 (hg19) VCF-style: chr16-2161863-AGGTACTCACCTGT-A.
Other names: c.3296-4_3304del13 (NM_001009944.3); c.3296-4_3304del (NM_000296.4).
Identifiers: ClinVar variation 1807301 (VCV001807301.3), dbSNP rs2544832042, ClinGen allele CA2580090986.

ClinVar aggregate classification (germline): Pathogenic/Likely pathogenic. Review status: criteria provided, multiple submitters, no conflicts (2 of 4 stars). 3 submissions from 3 submitters: Pathogenic (1); Likely pathogenic (2). Last evaluated 2026-05-08.

Conditions:
Polycystic kidney disease, adult type (PKD1). Also called: Polycystic Kidney Disease 1, Autosomal Dominant; Polycystic kidney disease 1; Polycystic kidney disease 1, severe; Polycystic Kidney, Autosomal Dominant; POLYCYSTIC KIDNEY DISEASE, ADULT, TYPE I; POLYCYSTIC KIDNEY DISEASE 1 WITH OR WITHOUT POLYCYSTIC LIVER DISEASE. Identifiers: MedGen C3149841, MONDO:0008263, OMIM 173900.

Submissions (3):

Women's Health and Genetics/Laboratory Corporation of America, LabCorp
Classification: Likely pathogenic for Polycystic kidney disease, adult type. Last evaluated: 2026-05-08. Review status: criteria provided, single submitter. Criteria: LabCorp Variant Classification Summary - May 2015. Collection method: clinical testing. Allele origin: germline.
Comment: Variant summary: PKD1 c.3296-4_3304del13 results in a deletion spanning a canonical splice-site and is predicted to affect mRNA splicing resulting in a significantly altered protein due to either exon skipping, shortening, or inclusion of intronic material. Variants that disrupt the consensus splice site are a relatively common cause of aberrant splicing and loss of PKD1 function. Several computational tools predict a significant impact on normal splicing: Four predict the variant abolishes a 3' acceptor site. However, these predictions have yet to be confirmed by functional studies. The variant was absent in 244624 control chromosomes (gnomAD). To our knowledge, no occurrence of c.3296-4_3304del13 in individuals affected with PKD1-related conditions and no experimental evidence demonstrating its impact on protein function have been reported. ClinVar contains an entry for this variant (Variation ID: 1807301). Based on the evidence outlined above, the variant was classified as likely pathogenic.

Fulgent Genetics
Classification: Likely pathogenic for Polycystic kidney disease, adult type. Last evaluated: 2024-02-07. Review status: criteria provided, single submitter. Criteria: ACMG Guidelines, 2015. Collection method: clinical testing. Allele origin: germline.

Athena Diagnostics
Classification: Pathogenic. Last evaluated: 2021-06-18. Review status: criteria provided, single submitter. Criteria: Athena Diagnostics Criteria. Collection method: clinical testing. Allele origin: unknown.
Comment: This variant is expected to severely impact normal RNA splicing, and consequently, protein structure and/or function. This variant has been identified in at least one individual tested at Athena Diagnostics with clinical features associated with this gene. This variant has not been reported in large, multi-ethnic general populations.